The following is an entry in ClinVar:

ClinVar aggregate classification (germline): Benign. Review status: criteria provided, multiple submitters, no conflicts (2 of 4 stars). 2 submissions from 2 submitters: Benign (2). Last evaluated 2018-01-13.

Conditions:
Polydactyly of a triphalangeal thumb. Also called: POLYDACTYLY OF TRIPHALANGEAL THUMB; TRIPHALANGEAL THUMB-POLYDACTYLY SYNDROME; Polydactyly, preaxial type II. Identifiers: Orphanet 2439, Orphanet 2950, Orphanet 93336, MedGen C1868114, MONDO:0008270, OMIM 174500.

Allele frequency attached by ClinVar (database versions not stated): gnomAD 0.13188 and 0.13244; TOPMed 0.13854; gnomAD exomes 0.14286; 1000 Genomes Project 0.17133; 1000 Genomes Project 30x 0.17286.
gnomAD v4.1: 20,017 of 152,270 alleles (13%); highest among the groups gnomAD compares: African/African-American, 24%; 1,666 homozygotes.

Submissions (2):

Illumina Laboratory Services, Illumina
Classification: Benign for Polydactyly of a triphalangeal thumb. Last evaluated: 2018-01-13. Review status: criteria provided, single submitter. Criteria: ICSL Variant Classification Criteria 13 December 2019. Collection method: clinical testing. Allele origin: germline.
Comment: This variant was observed in the ICSL laboratory as part of a predisposition screen in an ostensibly healthy population. It had not been previously curated by ICSL or reported in the Human Gene Mutation Database (HGMD: prior to June 1st, 2018), and was therefore a candidate for classification through an automated scoring system. Utilizing variant allele frequency, disease prevalence and penetrance estimates, and inheritance mode, an automated score was calculated to assess if this variant is too frequent to cause the disease. Based on the score and internal cut-off values, a variant classified as benign is not then subjected to further curation. The score for this variant resulted in a classification of benign for this disease.

Breakthrough Genomics
Classification: Benign. Review status: criteria provided, single submitter. Criteria: ACMG Guidelines, 2015. Collection method: not provided. Allele origin: germline. Inheritance: Autosomal recessive inheritance. Affected: yes.

NM_022458.4(LMBR1):c.*2089G>A

Gene: LMBR1 (limb development membrane protein 1; minus strand). Cytogenetic location: 7q36.3.
Variant type: single nucleotide variant.
Coding change: c.*2089G>A on transcript NM_022458.4 (MANE Select); 2089 bases downstream of the stop codon, G replaced by A.
Molecular consequence: 3 prime UTR variant. On other transcripts: non-coding transcript variant (2).
Genome position (GRCh38, 1-based): chr7:156,681,989, C>T on the plus strand (G>A on the coding strand, the complement: LMBR1 is on the minus strand). VCF-style: chr7-156681989-C-T. GRCh37 (hg19) VCF-style: chr7-156474683-C-T.
Other names: c.*2089G>A (NM_001350953.2, NM_001350954.2, NM_001350955.2 and 8 more transcripts).
Identifiers: ClinVar variation 359386 (VCV000359386.6), dbSNP rs17837686, ClinGen allele CA10623510.